The following is an entry in ClinVar:

ClinVar aggregate classification (germline): Benign. Review status: criteria provided, multiple submitters, no conflicts (2 of 4 stars). 3 submissions from 3 submitters: Benign (3). Last evaluated 2026-09-01.

Submissions (3):

CeGaT Center for Human Genetics Tuebingen
Classification: Benign. Last evaluated: 2026-09-01. Review status: criteria provided, single submitter. Criteria: CeGaT Center For Human Genetics Tuebingen Variant Classification Criteria Version 2. Collection method: clinical testing. Allele origin: germline. Affected: yes. Observed: 50 variant alleles.
Comment: RERE: BS1, BS2

Labcorp Genetics (formerly Invitae), Labcorp
Classification: Benign. Last evaluated: 2026-01-27. Review status: criteria provided, single submitter. Criteria: Invitae Variant Classification Sherloc (09022015). Collection method: clinical testing. Allele origin: germline.

Center for Pediatric Genomic Medicine, Children's Mercy Hospital and Clinics
Classification: Benign. Last evaluated: 2016-11-07. Review status: criteria provided, single submitter. Criteria: ACMG Guidelines, 2015. Collection method: clinical testing. Allele origin: germline.

NM_001042681.2(RERE):c.39GGACCG[3] (p.14DR[5])

Gene: RERE (arginine-glutamic acid dipeptide repeats; minus strand). Cytogenetic location: 1p36.23.
Variant type: Microsatellite.
Coding change: c.39GGACCG[3] on transcript NM_001042681.2 (MANE Select); three copies in a row of the 6-base unit GGACCG starting at c.39; the reference has two copies in a row; one copy, 6 bases duplicated.
Protein change: p.14DR[5].
Molecular consequence: inframe insertion.
Genome position (GRCh38, 1-based): chr1:8,656,248-8,656,253, CGGTCC duplicated on the plus strand (GGACCG on the coding strand, the reverse complement: RERE is on the minus strand); duplicating any 6 consecutive bases within chr1:8,656,248-8,656,259 gives the same sequence; the position shown is the placement nearest the transcript's 3' end. VCF-style (leftmost placement, unchanged base first): chr1-8656247-T-TCGGTCC. GRCh37 (hg19) VCF-style: chr1-8716306-T-TCGGTCC.
Other names: c.39GGACCG[3], p.14DR[5] (NM_012102.4).
Identifiers: ClinVar variation 377359 (VCV000377359.35), dbSNP rs201665914, ClinGen allele CA572174.